The following is an entry in ClinVar:

NM_000155.4(GALT):c.1060-2A>T

Gene: GALT (galactose-1-phosphate uridylyltransferase; plus strand). Cytogenetic location: 9p13.3.
Variant type: single nucleotide variant.
Coding change: c.1060-2A>T on transcript NM_000155.4 (MANE Select); the canonical splice acceptor site of the intron before coding-DNA position 1060, A replaced by T.
Molecular consequence: splice acceptor variant.
Genome position (GRCh38, 1-based): chr9:34,650,367, A>T. VCF-style: chr9-34650367-A-T. GRCh37 (hg19) VCF-style: chr9-34650364-A-T.
Other names: c.733-2A>T (NM_001258332.2).
Identifiers: ClinVar variation 4817618 (VCV004817618.1).

ClinVar aggregate classification (germline): Likely pathogenic (1 of 4 stars; one submission).

Conditions:
Galactosemia. Also called: Galactose intolerance. Identifiers: Orphanet 352, MedGen C0016952, MONDO:0018116, HP:0004919. Disease mechanism: loss of function.

Submission:

Natera, Inc.
Classification: Likely pathogenic for Galactosemia. Last evaluated: 2025-01-28. Review status: criteria provided, single submitter. Criteria: Natera Variant Classification Schema (03/2026). Collection method: clinical testing. Allele origin: germline.
Comment: The c.1060-2A>T variant in GALT is a canonical splice acceptor site variant predicted to affect pre-mRNA splicing, which may result in an abnormal transcript and altered protein product. This variant is expected to result in nonsense mediated decay, truncation, or a dysfunctional protein product. This variant is rare in the general population with a frequency below the threshold expected for the associated phenotype(s). Given the available evidence, this variant is classified as Likely Pathogenic.